The following is an entry in ClinVar:

NM_004706.4(ARHGEF1):c.947C>A (p.Ala316Asp)

Gene: ARHGEF1 (Rho guanine nucleotide exchange factor 1; plus strand). Cytogenetic location: 19q13.2.
Variant type: single nucleotide variant.
Coding change: c.947C>A on transcript NM_004706.4 (MANE Select); coding-DNA position 947, C replaced by A.
Protein change: p.Ala316Asp; replaces alanine 316 with aspartic acid.
Molecular consequence: missense variant. On other transcripts: non-coding transcript variant (2).
Genome position (GRCh38, 1-based): chr19:41,895,418, C>A. VCF-style: chr19-41895418-C-A. GRCh37 (hg19) VCF-style: chr19-42399491-C-A.
Other names: c.947C>A, p.Ala316Asp (NM_001396000.1, NM_001396003.1, NM_001396006.1); c.848C>A, p.Ala283Asp (NM_001396002.1, NM_001396004.1, NM_198977.2); c.992C>A, p.Ala331Asp (NM_199002.2); short protein forms A316D, A331D, A283D.
Identifiers: ClinVar variation 2973139 (VCV002973139.3), dbSNP rs782737562, ClinGen allele CA9466124.

ClinVar aggregate classification (germline): Uncertain significance (1 of 4 stars; one submission).

Allele frequency attached by ClinVar (database versions not stated): gnomAD exomes 0.00001; ExAC 0.00001.
gnomAD v4.1: 9 of 1,612,814 alleles (0.00056%); highest among the groups gnomAD compares: Non-Finnish European, 0.00068%; no homozygotes.

Submission:

Labcorp Genetics (formerly Invitae), Labcorp
Classification: Uncertain significance. Last evaluated: 2025-08-01. Review status: criteria provided, single submitter. Criteria: Invitae Variant Classification Sherloc (09022015). Collection method: clinical testing. Allele origin: germline.
Comment: This sequence change replaces alanine, which is neutral and non-polar, with aspartic acid, which is acidic and polar, at codon 331 of the ARHGEF1 protein (p.Ala331Asp). The frequency data for this variant in the population databases is considered unreliable, as metrics indicate poor data quality at this position in the gnomAD database. This variant has not been reported in the literature in individuals affected with ARHGEF1-related conditions. ClinVar contains an entry for this variant (Variation ID: 2973139). An algorithm developed to predict the effect of missense changes on protein structure and function (PolyPhen-2) suggests that this variant is likely to be tolerated. In summary, the available evidence is currently insufficient to determine the role of this variant in disease. Therefore, it has been classified as a Variant of Uncertain Significance.